The following is an entry in ClinVar:

NM_000059.4(BRCA2):c.-41_-40+5del

Genes: BRCA2 (BRCA2 DNA repair associated; plus strand), LOC106721785 (BRCA2 promoter/silencer region; plus strand). Cytogenetic location: 13q13.1.
Variant type: Deletion.
Coding change: c.-41_-40+5del on transcript NM_000059.4 (MANE Select); 41 bases upstream of the start codon through 5 bases into the intron after 40 bases upstream of the start codon, 7 bases deleted (GGGTTAG; older notation c.-41_-40+5delGGGTTAG).
Molecular consequence: splice donor variant.
Genome position (GRCh38, 1-based): chr13:32,315,666-32,315,672, GGGTTAG deleted. VCF-style (leftmost placement, unchanged base first): chr13-32315665-CGGGTTAG-C. GRCh37 (hg19) VCF-style: chr13-32889802-CGGGTTAG-C.
Identifiers: ClinVar variation 1418390 (VCV001418390.5), dbSNP rs2138695709, ClinGen allele CA2573149249.
Genomic context (GRCh38, chr13:32,315,665, plus strand): 5'-TTGTGACCGGCGCGGTTTTTGTCAGCTTACTCCGGCCAAAAAAGAACTGCACCTCTGGAG[CGGGTTAG>C]TGGTGGTGGTAGTGGGTTGGGACGAGCGCGTCTTCCGCAGTCCCAGTCCAGCGTGGCGGG-3'

ClinVar aggregate classification (germline): Uncertain significance (1 of 4 stars; one submission).

Conditions:
Hereditary breast ovarian cancer syndrome. Also called: Hereditary breast and ovarian cancer syndrome (HBOC); Breast and ovarian cancer; Hereditary breast and ovarian cancer syndrome; Hereditary breast and/or ovarian cancer syndrome; BRCA1- and BRCA2-Associated Hereditary Breast and Ovarian Cancer; Hereditary breast and ovarian cancer. Identifiers: Orphanet 145, MedGen C0677776, MeSH D061325, MONDO:0003582. Disease mechanism: loss of function.

Submission:

Labcorp Genetics (formerly Invitae), Labcorp
Classification: Uncertain significance for Hereditary breast ovarian cancer syndrome. Last evaluated: 2024-03-26. Review status: criteria provided, single submitter. Criteria: Invitae Variant Classification Sherloc (09022015). Collection method: clinical testing. Allele origin: germline.
Comment: This sequence change falls in intron 1 of the BRCA2 gene. It does not directly change the encoded amino acid sequence of the BRCA2 protein. It affects a nucleotide within the consensus splice site. This variant is not present in population databases (gnomAD no frequency). This variant has not been reported in the literature in individuals affected with BRCA2-related conditions. ClinVar contains an entry for this variant (Variation ID: 1418390). Variants that disrupt the consensus splice site are a relatively common cause of aberrant splicing (PMID: 17576681, 9536098). In summary, the available evidence is currently insufficient to determine the role of this variant in disease. Therefore, it has been classified as a Variant of Uncertain Significance.

Literature cited by the submitters: PubMed 17576681; PubMed 9536098.